The following is an entry in ClinVar:

NM_000065.5(C6):c.907A>G (p.Ile303Val)

Gene: C6 (complement C6; minus strand). Cytogenetic location: 5p13.1.
Variant type: single nucleotide variant.
Coding change: c.907A>G on transcript NM_000065.5 (MANE Select); coding-DNA position 907, A replaced by G.
Protein change: p.Ile303Val; replaces isoleucine 303 with valine.
Molecular consequence: missense variant.
Genome position (GRCh38, 1-based): chr5:41,181,379, T>C on the plus strand (A>G on the coding strand, the complement: C6 is on the minus strand). VCF-style: chr5-41181379-T-C. GRCh37 (hg19) VCF-style: chr5-41181481-T-C.
Other names: c.907A>G, p.Ile303Val (NM_001115131.4); c.907A>G (NM_000065.3); short protein forms I303V.
Identifiers: ClinVar variation 2170338 (VCV002170338.3), dbSNP rs373785785, ClinGen allele CA3252629.

ClinVar aggregate classification (germline): Uncertain significance. Review status: criteria provided, multiple submitters, no conflicts (2 of 4 stars). 3 submissions from 3 submitters: Uncertain significance (2). 1 of the submissions does not count toward it. Last evaluated 2022-08-21.

Conditions:
Inborn genetic diseases. Identifiers: MedGen C0950123, MeSH D030342.
C6-related disorder. Also called: C6-related condition.

Allele frequency attached by ClinVar (database versions not stated): TOPMed 0.00006; ESP Exome Variant Server 0.00008; gnomAD 0.00015; gnomAD exomes 0.00016; ExAC 0.00024; 1000 Genomes Project 0.00040; 1000 Genomes Project 30x 0.00047.
gnomAD v4.1: 261 of 1,613,750 alleles (0.016%); highest among the groups gnomAD compares: South Asian, 0.14%; 2 homozygotes.

Submissions (3):

Labcorp Genetics (formerly Invitae), Labcorp
Classification: Uncertain significance. Last evaluated: 2022-08-21. Review status: criteria provided, single submitter. Criteria: Invitae Variant Classification Sherloc (09022015). Collection method: clinical testing. Allele origin: germline.
Comment: This sequence change replaces isoleucine, which is neutral and non-polar, with valine, which is neutral and non-polar, at codon 303 of the C6 protein (p.Ile303Val). This variant is present in population databases (rs373785785, gnomAD 0.1%). This variant has not been reported in the literature in individuals affected with C6-related conditions. Algorithms developed to predict the effect of missense changes on protein structure and function output the following: SIFT: "Tolerated"; PolyPhen-2: "Benign"; Align-GVGD: "Class C0". The valine amino acid residue is found in multiple mammalian species, which suggests that this missense change does not adversely affect protein function. In summary, the available evidence is currently insufficient to determine the role of this variant in disease. Therefore, it has been classified as a Variant of Uncertain Significance.

Ambry Genetics
Classification: Uncertain significance for Inborn genetic diseases. Last evaluated: 2021-10-26. Review status: criteria provided, single submitter. Criteria: Ambry Variant Classification Scheme 2023. Collection method: clinical testing. Allele origin: germline.

PreventionGenetics, part of Exact Sciences
Classification: Likely benign for C6-related condition. Last evaluated: 2024-09-11. Review status: no assertion criteria provided. Collection method: clinical testing. Allele origin: germline. Not counted in ClinVar's aggregate classification.
Comment: This variant is classified as likely benign based on ACMG/AMP sequence variant interpretation guidelines (Richards et al. 2015 PMID: 25741868, with internal and published modifications).